The following is an entry in ClinVar:

NM_002691.4(POLD1):c.2090C>T (p.Ala697Val)

Gene: POLD1 (DNA polymerase delta 1, catalytic subunit; plus strand). Cytogenetic location: 19q13.33.
Variant type: single nucleotide variant.
Coding change: c.2090C>T on transcript NM_002691.4 (MANE Select); coding-DNA position 2090, C replaced by T.
Protein change: p.Ala697Val; replaces alanine 697 with valine.
Molecular consequence: missense variant. On other transcripts: non-coding transcript variant (1), intron variant (2).
Genome position (GRCh38, 1-based): chr19:50,409,602, C>T. VCF-style: chr19-50409602-C-T. GRCh37 (hg19) VCF-style: chr19-50912859-C-T.
Other names: c.2090C>T, p.Ala697Val (NM_001256849.1, NM_001438212.1, NM_001438213.1); c.2168C>T, p.Ala723Val (NM_001308632.1); c.2082+8C>T (NM_001438210.1, NM_001438211.1); short protein forms A723V, A697V.
Identifiers: ClinVar variation 4743485 (VCV004743485.1).

ClinVar aggregate classification (germline): Uncertain significance (1 of 4 stars; one submission).

Conditions:
POLD1-related polyposis and colorectal cancer syndrome (CRCS10). Also called: COLORECTAL CANCER, SUSCEPTIBILITY TO, ON CHROMOSOME 19q; Colorectal cancer 10; Colorectal cancer, susceptibility to, 10. Identifiers: Orphanet 220460, MedGen C2675481, MONDO:0012953, OMIM 612591.

Submission:

Labcorp Genetics (formerly Invitae), Labcorp
Classification: Uncertain significance for POLD1-related polyposis and colorectal cancer syndrome. Last evaluated: 2025-12-21. Review status: criteria provided, single submitter. Criteria: Invitae Variant Classification Sherloc (09022015). Collection method: clinical testing. Allele origin: germline.
Comment: This sequence change replaces alanine, which is neutral and non-polar, with valine, which is neutral and non-polar, at codon 697 of the POLD1 protein (p.Ala697Val). This variant is not present in population databases (gnomAD no frequency). This variant has not been reported in the literature in individuals affected with POLD1-related conditions. Invitae Evidence Modeling of protein sequence and biophysical properties (such as structural, functional, and spatial information, amino acid conservation, physicochemical variation, residue mobility, and thermodynamic stability) indicates that this missense variant is expected to disrupt POLD1 protein function with a positive predictive value of 80%. In summary, the available evidence is currently insufficient to determine the role of this variant in disease. Therefore, it has been classified as a Variant of Uncertain Significance.